The following is an entry in ClinVar:

ClinVar aggregate classification (germline): Uncertain significance (1 of 4 stars; one submission).

Allele frequency attached by ClinVar (database versions not stated): gnomAD exomes 0.00002; gnomAD 0.00003; TOPMed 0.00003; ExAC 0.00005.
gnomAD v4.1: 30 of 1,610,588 alleles (0.0019%); highest among the groups gnomAD compares: East Asian, 0.045%; no homozygotes.

Submission:

Labcorp Genetics (formerly Invitae), Labcorp
Classification: Uncertain significance. Last evaluated: 2022-07-03. Review status: criteria provided, single submitter. Criteria: Invitae Variant Classification Sherloc (09022015). Collection method: clinical testing. Allele origin: germline.
Comment: This variant has not been reported in the literature in individuals affected with GOT2-related conditions. This variant is present in population databases (rs773502230, gnomAD 0.02%). This sequence change replaces arginine, which is basic and polar, with glutamine, which is neutral and polar, at codon 180 of the GOT2 protein (p.Arg180Gln). In summary, the available evidence is currently insufficient to determine the role of this variant in disease. Therefore, it has been classified as a Variant of Uncertain Significance. Algorithms developed to predict the effect of missense changes on protein structure and function (SIFT, PolyPhen-2, Align-GVGD) all suggest that this variant is likely to be tolerated.

NM_002080.4(GOT2):c.539G>A (p.Arg180Gln)

Genes: GOT2 (glutamic-oxaloacetic transaminase 2; minus strand), LOC126862363 (BRD4-independent group 4 enhancer GRCh37_chr16:58751959-58753158; plus strand). Cytogenetic location: 16q21.
Variant type: single nucleotide variant.
Coding change: c.539G>A on transcript NM_002080.4 (MANE Select); coding-DNA position 539, G replaced by A.
Protein change: p.Arg180Gln; replaces arginine 180 with glutamine.
Molecular consequence: missense variant.
Genome position (GRCh38, 1-based): chr16:58,718,585, C>T on the plus strand (G>A on the coding strand, the complement: GOT2 is on the minus strand). VCF-style: chr16-58718585-C-T. GRCh37 (hg19) VCF-style: chr16-58752489-C-T.
Other names: c.410G>A, p.Arg137Gln (NM_001286220.2); short protein forms R180Q, R137Q.
Identifiers: ClinVar variation 1905821 (VCV001905821.3), dbSNP rs773502230, ClinGen allele CA8091021.